The following is an entry in ClinVar:

NM_001165963.4(SCN1A):c.2044-5dup

Gene: SCN1A (sodium voltage-gated channel alpha subunit 1; minus strand). Cytogenetic location: 2q24.3.
Variant type: Duplication.
Coding change: c.2044-5dup on transcript NM_001165963.4 (MANE Select); 5 bases into the intron before coding-DNA position 2044, one base duplicated (T; older notation c.2044-5dupT).
Molecular consequence: intron variant.
Genome position (GRCh38, 1-based): chr2:166,042,429, A duplicated on the plus strand (T on the coding strand, the reverse complement: SCN1A is on the minus strand); the first of 9 consecutive A bases (chr2:166,042,429-166,042,437); duplicating any one gives the same sequence. VCF-style (leftmost placement, unchanged base first): chr2-166042428-T-TA. GRCh37 (hg19) VCF-style: chr2-166898938-T-TA.
Other names: c.2044-5dupT (NM_001165963.1); c.2011-5dup (NM_001353949.2, NM_001353950.2, NM_001353951.2 and 2 more transcripts); c.1960-5dup (NM_001353958.2, NM_001353957.2, NM_001165964.3); c.2044-5dup (NM_001202435.3, NM_001353948.2); c.2008-5dup (NM_001353955.2, NM_001353954.2); c.1957-5dup (NM_001353960.2); c.-415-5dup (NM_001353961.2).
Identifiers: ClinVar variation 194032 (VCV000194032.47), dbSNP rs549232924, ClinGen allele CA239817.

ClinVar aggregate classification (germline): Conflicting classifications of pathogenicity. Review status: criteria provided, conflicting classifications (1 of 4 stars). 5 submissions from 5 submitters: Uncertain significance (1); Benign (2); Likely benign (2). Last evaluated 2026-09-01.

Conditions:
Early-infantile DEE. Also called: Early infantile epileptic encephalopathy with suppression bursts; Ohtahara syndrome; Early infantile epileptic encephalopathy. Identifiers: Orphanet 1934, MedGen C0393706, MONDO:0800491.

Submissions (5):

CeGaT Center for Human Genetics Tuebingen
Classification: Likely benign. Last evaluated: 2026-09-01. Review status: criteria provided, single submitter. Criteria: CeGaT Center For Human Genetics Tuebingen Variant Classification Criteria Version 2. Collection method: clinical testing. Allele origin: germline. Affected: yes. Observed: 4 variant alleles.
Comment: SCN1A: BP4, BS1

Labcorp Genetics (formerly Invitae), Labcorp
Classification: Benign for Early-infantile DEE. Last evaluated: 2026-02-01. Review status: criteria provided, single submitter. Criteria: Invitae Variant Classification Sherloc (09022015). Collection method: clinical testing. Allele origin: germline.

Blueprint Genetics
Classification: Likely benign. Last evaluated: 2024-11-25. Review status: criteria provided, single submitter. Criteria: ACMG Guidelines, 2015. Collection method: clinical testing. Allele origin: germline.

Eurofins Ntd Llc (ga)
Classification: Uncertain significance. Last evaluated: 2015-04-29. Review status: criteria provided, single submitter. Criteria: EGL Classification Definitions. Collection method: clinical testing. Allele origin: germline. Observed: 1 variant allele.

GeneDx
Classification: Benign. Last evaluated: 2014-09-19. Review status: criteria provided, single submitter. Criteria: GeneDx Variant Classification (06012015). Collection method: clinical testing. Allele origin: germline. Affected: yes.
Comment: The variant is found in INFANT-EPI panel(s).